The following is an entry in ClinVar:

NM_199420.4(POLQ):c.2768T>C (p.Phe923Ser)

Gene: POLQ (DNA polymerase theta; minus strand). Cytogenetic location: 3q13.33.
Variant type: single nucleotide variant.
Coding change: c.2768T>C on transcript NM_199420.4 (MANE Select); coding-DNA position 2768, T replaced by C.
Protein change: p.Phe923Ser; replaces phenylalanine 923 with serine.
Molecular consequence: missense variant.
Genome position (GRCh38, 1-based): chr3:121,490,163, A>G on the plus strand (T>C on the coding strand, the complement: POLQ is on the minus strand). VCF-style: chr3-121490163-A-G. GRCh37 (hg19) VCF-style: chr3-121209010-A-G.
Other names: short protein forms F923S.
Identifiers: ClinVar variation 3308697 (VCV003308697.1).

ClinVar aggregate classification (germline): Uncertain significance (1 of 4 stars; one submission).

Submission:

Ambry Genetics
Classification: Uncertain significance. Last evaluated: 2024-05-25. Review status: criteria provided, single submitter. Criteria: Ambry Variant Classification Scheme 2023. Collection method: clinical testing. Allele origin: germline.
Comment: The p.F923S variant (also known as c.2768T>C), located in coding exon 16 of the POLQ gene, results from a T to C substitution at nucleotide position 2768. The phenylalanine at codon 923 is replaced by serine, an amino acid with highly dissimilar properties. This amino acid position is conserved. In addition, this alteration is predicted to be tolerated by in silico analysis. Based on the available evidence, the clinical significance of this variant remains unclear.